The following is an entry in ClinVar:

ClinVar aggregate classification (germline): Likely pathogenic (1 of 4 stars; one submission).

Conditions:
Autoimmune enteropathy and endocrinopathy - susceptibility to chronic infections syndrome. Also called: Immunodeficiency 31C; Immunodeficiency 31C, autosomal dominant. Identifiers: Orphanet 391487, MedGen C3279990, MONDO:0013599, OMIM 614162.

Submission:

3billion
Classification: Likely pathogenic for Autoimmune enteropathy and endocrinopathy - susceptibility to chronic infections syndrome. Last evaluated: 2023-06-23. Review status: criteria provided, single submitter. Criteria: ACMG Guidelines, 2015. Collection method: clinical testing. Allele origin: germline. Affected: yes.
Comment: The variant is not observed in the gnomAD v2.1.1 dataset. Predicted Consequence/Location: Frameshift: predicted to result in a loss or disruption of normal protein function through nonsense-mediated decay (NMD) or protein truncation. Multiple pathogenic variants are reported downstream of the variant. Therefore, this variant is classified as Likely pathogenic according to the recommendation of ACMG/AMP guideline.

NM_007315.4(STAT1):c.1082_1083del (p.Lys361fs)

Gene: STAT1 (signal transducer and activator of transcription 1; minus strand). Cytogenetic location: 2q32.2.
Variant type: Deletion.
Coding change: c.1082_1083del on transcript NM_007315.4 (MANE Select); coding-DNA positions 1082 to 1083, 2 bases deleted (AA; older notation c.1082_1083delAA).
Protein change: p.Lys361fs; shifts the reading frame from lysine 361.
Molecular consequence: frameshift variant. On other transcripts: intron variant (1).
Genome position (GRCh38, 1-based): chr2:190,989,629-190,989,630, TT deleted on the plus strand (AA on the coding strand, the reverse complement: STAT1 is on the minus strand); deleting any 2 consecutive bases within chr2:190,989,629-190,989,631 gives the same sequence; the c. name uses the placement nearest the transcript's 3' end. VCF-style (leftmost placement, unchanged base first): chr2-190989628-CTT-C. GRCh37 (hg19) VCF-style: chr2-191854354-CTT-C.
Other names: c.1088_1089del, p.Lys363fs (NM_001384881.1, NM_001384884.1); c.1082_1083del, p.Lys361fs (NM_001384882.1, NM_001384886.1, NM_001384888.1 and 2 more transcripts); c.983_984del, p.Lys328fs (NM_001384883.1); c.923_924del, p.Lys308fs (NM_001384885.1); c.989_990del, p.Lys330fs (NM_001384887.1); c.992_993del, p.Lys331fs (NM_001384890.1); c.1118_1119del, p.Lys373fs (NM_001384891.1); c.1037+1598_1037+1599del (NM_001384880.1); short protein forms K308fs, K328fs, K330fs, K331fs, K361fs, K363fs, K373fs.
Identifiers: ClinVar variation 3775677 (VCV003775677.1).
Genomic context (GRCh38, chr2:190,989,628, plus strand): 5'-ACATTTCAATAGTACATGTATGTTATATAATGTTAAAGATATCTTACTTATCAAATAAGA[CTT>C]TGACTTTCAAATTATAATTCAGCTCTTGCAATTTCACCAACAGTCTGGAAAGAAAAATAA-3'